The following is an entry in ClinVar:

NM_001348768.2(HECW2):c.2923G>A (p.Gly975Arg)

Gene: HECW2 (HECT, C2 and WW domain containing E3 ubiquitin protein ligase 2; minus strand). Cytogenetic location: 2q32.3.
Variant type: single nucleotide variant.
Coding change: c.2923G>A on transcript NM_001348768.2 (MANE Select); coding-DNA position 2923, G replaced by A.
Protein change: p.Gly975Arg; replaces glycine 975 with arginine.
Molecular consequence: missense variant.
Genome position (GRCh38, 1-based): chr2:196,292,642, C>T on the plus strand (G>A on the coding strand, the complement: HECW2 is on the minus strand). VCF-style: chr2-196292642-C-T. GRCh37 (hg19) VCF-style: chr2-197157366-C-T.
Other names: c.1855G>A, p.Gly619Arg (NM_001304840.3); c.2923G>A, p.Gly975Arg (NM_020760.4); short protein forms G619R, G975R.
Identifiers: ClinVar variation 1803410 (VCV001803410.1), dbSNP rs2468925219, ClinGen allele CA349959840.

ClinVar aggregate classification (germline): Uncertain significance (1 of 4 stars; one submission).

Submission:

GeneDx
Classification: Uncertain significance. Last evaluated: 2022-06-09. Review status: criteria provided, single submitter. Criteria: GeneDx Variant Classification Process June 2021. Collection method: clinical testing. Allele origin: germline. Affected: yes.
Comment: Not observed at significant frequency in large population cohorts (gnomAD); In silico analysis supports that this missense variant does not alter protein structure/function; Has not been previously published as pathogenic or benign to our knowledge